The following is an entry in ClinVar:

ClinVar aggregate classification (germline): Uncertain significance (1 of 4 stars; one submission).

Conditions:
Cataract 38. Also called: Cataract, autosomal recessive congenital 5; Cataract 38, autosomal recessive. Identifiers: Orphanet 91492, MedGen C3553494, MONDO:0013859, OMIM 614691.
Sengers syndrome. Also called: MITOCHONDRIAL DNA DEPLETION SYNDROME 10 (CARDIOMYOPATHIC TYPE); Cardiomyopathy and cataract. Identifiers: Orphanet 1369, MedGen C1859317, MONDO:0008922, OMIM 212350.

Allele frequency attached by ClinVar (database versions not stated): TOPMed below 0.00001; gnomAD exomes 0.00001.
gnomAD v4.1: 7 of 1,613,312 alleles (0.00043%); highest among the groups gnomAD compares: Non-Finnish European, 0.00059%; no homozygotes.

Submission:

Labcorp Genetics (formerly Invitae), Labcorp
Classification: Uncertain significance for Sengers syndrome; Cataract 38. Last evaluated: 2023-04-23. Review status: criteria provided, single submitter. Criteria: Invitae Variant Classification Sherloc (09022015). Collection method: clinical testing. Allele origin: germline.
Comment: In summary, the available evidence is currently insufficient to determine the role of this variant in disease. Therefore, it has been classified as a Variant of Uncertain Significance. Advanced modeling of protein sequence and biophysical properties (such as structural, functional, and spatial information, amino acid conservation, physicochemical variation, residue mobility, and thermodynamic stability) performed at Invitae indicates that this missense variant is not expected to disrupt AGK protein function. This variant has not been reported in the literature in individuals affected with AGK-related conditions. This variant is present in population databases (no rsID available, gnomAD 0.007%). This sequence change replaces alanine, which is neutral and non-polar, with aspartic acid, which is acidic and polar, at codon 181 of the AGK protein (p.Ala181Asp).

NM_018238.4(AGK):c.542C>A (p.Ala181Asp)

Gene: AGK (acylglycerol kinase; plus strand). Cytogenetic location: 7q34.
Variant type: single nucleotide variant.
Coding change: c.542C>A on transcript NM_018238.4 (MANE Select); coding-DNA position 542, C replaced by A.
Protein change: p.Ala181Asp; replaces alanine 181 with aspartic acid.
Molecular consequence: missense variant.
Genome position (GRCh38, 1-based): chr7:141,621,755, C>A. VCF-style: chr7-141621755-C-A. GRCh37 (hg19) VCF-style: chr7-141321555-C-A.
Other names: c.542C>A, p.Ala181Asp (NM_001364948.3); short protein forms A181D.
Identifiers: ClinVar variation 2931426 (VCV002931426.3), dbSNP rs1234067445, ClinGen allele CA369552913.
Genomic context (GRCh38, chr7:141,621,755, plus strand): 5'-ATTTTTCATAATATGATCATTTCCTTTTCTCTTTTAGACATATTACTGATGCCACACTTG[C>A]CATTGTGAAAGGAGAGACAGTTCCACTTGATGTCTTGCAGATCAAGGTAAATCTTTTCAT-3'
Protein context (NP_060708.1, residues 171-191): KVQHITDATL[Ala181Asp]IVKGETVPLD